The following is an entry in ClinVar:

NM_138477.4(CDAN1):c.322A>G (p.Ser108Gly)

Genes: CDAN1 (codanin 1; minus strand), LOC130056931 (ATAC-STARR-seq lymphoblastoid silent region 6376; plus strand). Cytogenetic location: 15q15.2.
Variant type: single nucleotide variant.
Coding change: c.322A>G on transcript NM_138477.4 (MANE Select); coding-DNA position 322, A replaced by G.
Protein change: p.Ser108Gly; replaces serine 108 with glycine.
Molecular consequence: missense variant.
Genome position (GRCh38, 1-based): chr15:42,736,549, T>C on the plus strand (A>G on the coding strand, the complement: CDAN1 is on the minus strand). VCF-style: chr15-42736549-T-C. GRCh37 (hg19) VCF-style: chr15-43028747-T-C.
Other names: p.Ser108Gly; short protein forms S108G.
Identifiers: ClinVar variation 4541929 (VCV004541929.1).

ClinVar aggregate classification (germline): Uncertain significance (1 of 4 stars; one submission).

gnomAD v4.1: 4 of 1,480,718 alleles (0.00027%); highest among the groups gnomAD compares: Admixed American, 0.0069%; no homozygotes.

Submission:

Mayo Clinic Laboratories, Mayo Clinic
Classification: Uncertain significance. Last evaluated: 2024-10-08. Review status: criteria provided, single submitter. Criteria: ACMG Guidelines, 2015. Collection method: clinical testing. Allele origin: germline. Observed: 1 variant allele.
Comment: PM2_supporting